The following is an entry in ClinVar:

NM_001367561.1(DOCK7):c.2153G>A (p.Gly718Asp)

Gene: DOCK7 (dedicator of cytokinesis 7; minus strand). Cytogenetic location: 1p31.3.
Variant type: single nucleotide variant.
Coding change: c.2153G>A on transcript NM_001367561.1 (MANE Select); coding-DNA position 2153, G replaced by A.
Protein change: p.Gly718Asp; replaces glycine 718 with aspartic acid.
Molecular consequence: missense variant.
Genome position (GRCh38, 1-based): chr1:62,561,663, C>T on the plus strand (G>A on the coding strand, the complement: DOCK7 is on the minus strand). VCF-style: chr1-62561663-C-T. GRCh37 (hg19) VCF-style: chr1-63027334-C-T.
Other names: c.2153G>A, p.Gly718Asp (NM_001271999.2, NM_001272000.2, NM_001272001.2 and 2 more transcripts); short protein forms G718D.
Identifiers: ClinVar variation 2131696 (VCV002131696.4), dbSNP rs2525179769, ClinGen allele CA340628287.

ClinVar aggregate classification (germline): Uncertain significance (1 of 4 stars; one submission).

Conditions:
Developmental and epileptic encephalopathy, 23 (DEE23). Also called: Epileptic encephalopathy, early infantile, 23. Identifiers: Orphanet 411986, MedGen C4014492, MONDO:0014371, OMIM 615859.

Submission:

Labcorp Genetics (formerly Invitae), Labcorp
Classification: Uncertain significance for Developmental and epileptic encephalopathy, 23. Last evaluated: 2024-02-26. Review status: criteria provided, single submitter. Criteria: Invitae Variant Classification Sherloc (09022015). Collection method: clinical testing. Allele origin: germline.
Comment: This sequence change replaces glycine, which is neutral and non-polar, with aspartic acid, which is acidic and polar, at codon 718 of the DOCK7 protein (p.Gly718Asp). This variant is not present in population databases (gnomAD no frequency). This variant has not been reported in the literature in individuals affected with DOCK7-related conditions. ClinVar contains an entry for this variant (Variation ID: 2131696). Advanced modeling of protein sequence and biophysical properties (such as structural, functional, and spatial information, amino acid conservation, physicochemical variation, residue mobility, and thermodynamic stability) performed at Invitae indicates that this missense variant is expected to disrupt DOCK7 protein function with a positive predictive value of 80%. In summary, the available evidence is currently insufficient to determine the role of this variant in disease. Therefore, it has been classified as a Variant of Uncertain Significance.